The following is an entry in ClinVar:

ClinVar aggregate classification (germline): Uncertain significance. Review status: criteria provided, multiple submitters, no conflicts (2 of 4 stars). 2 submissions from 2 submitters: Uncertain significance (2). Last evaluated 2025-11-29.

Conditions:
Hereditary cancer-predisposing syndrome. Also called: Hereditary Cancer Syndrome; Hereditary neoplastic syndrome; Neoplastic Syndromes, Hereditary; Tumor predisposition. Identifiers: Orphanet 140162, MedGen C0027672, MeSH D009386, MONDO:0015356.
Oligodontia-cancer predisposition syndrome. Also called: TOOTH AGENESIS-COLORECTAL CANCER SYNDROME. Identifiers: Orphanet 300576, MedGen C1837750, MONDO:0012075, OMIM 608615. Disease mechanism: loss of function.

Allele frequency attached by ClinVar (database versions not stated): gnomAD exomes 0.00001; TOPMed 0.00001.
gnomAD v4.1: 5 of 1,614,182 alleles (0.00031%); highest among the groups gnomAD compares: Non-Finnish European, 0.00042%; no homozygotes.

Submissions (2):

Ambry Genetics
Classification: Uncertain significance for Hereditary cancer-predisposing syndrome. Last evaluated: 2025-11-29. Review status: criteria provided, single submitter. Criteria: Ambry Variant Classification Scheme 2023. Collection method: clinical testing. Allele origin: germline.
Comment: The p.H389R variant (also known as c.1166A>G), located in coding exon 4 of the AXIN2 gene, results from an A to G substitution at nucleotide position 1166. The histidine at codon 389 is replaced by arginine, an amino acid with highly similar properties. This amino acid position is conserved. In addition, this alteration is predicted to be tolerated by in silico analysis. Since supporting evidence is limited at this time, the clinical significance of this alteration remains unclear.

Labcorp Genetics (formerly Invitae), Labcorp
Classification: Uncertain significance for Oligodontia-cancer predisposition syndrome. Last evaluated: 2025-02-18. Review status: criteria provided, single submitter. Criteria: Invitae Variant Classification Sherloc (09022015). Collection method: clinical testing. Allele origin: germline.
Comment: This sequence change replaces histidine, which is basic and polar, with arginine, which is basic and polar, at codon 389 of the AXIN2 protein (p.His389Arg). This variant is present in population databases (no rsID available, gnomAD 0.002%). This variant has not been reported in the literature in individuals affected with AXIN2-related conditions. ClinVar contains an entry for this variant (Variation ID: 408806). Invitae Evidence Modeling of protein sequence and biophysical properties (such as structural, functional, and spatial information, amino acid conservation, physicochemical variation, residue mobility, and thermodynamic stability) indicates that this missense variant is not expected to disrupt AXIN2 protein function with a negative predictive value of 80%. In summary, the available evidence is currently insufficient to determine the role of this variant in disease. Therefore, it has been classified as a Variant of Uncertain Significance.

NM_004655.4(AXIN2):c.1166A>G (p.His389Arg)

Gene: AXIN2 (axin 2; minus strand). Cytogenetic location: 17q24.1.
Variant type: single nucleotide variant.
Coding change: c.1166A>G on transcript NM_004655.4 (MANE Select); coding-DNA position 1166, A replaced by G.
Protein change: p.His389Arg; replaces histidine 389 with arginine.
Molecular consequence: missense variant.
Genome position (GRCh38, 1-based): chr17:65,538,237, T>C on the plus strand (A>G on the coding strand, the complement: AXIN2 is on the minus strand). VCF-style: chr17-65538237-T-C. GRCh37 (hg19) VCF-style: chr17-63534355-T-C.
Other names: c.1166A>G (LRG_296t1); c.1166A>G, p.His389Arg (NM_001363813.1); short protein forms H389R.
Identifiers: ClinVar variation 408806 (VCV000408806.13), dbSNP rs1060502142, ClinGen allele CA16615890.